The following is an entry in ClinVar:

NM_020754.4(ARHGAP31):c.3586C>G (p.Gln1196Glu)

Gene: ARHGAP31 (Rho GTPase activating protein 31; plus strand). Cytogenetic location: 3q13.33.
Variant type: single nucleotide variant.
Coding change: c.3586C>G on transcript NM_020754.4 (MANE Select); coding-DNA position 3586, C replaced by G.
Protein change: p.Gln1196Glu; replaces glutamine 1196 with glutamic acid.
Molecular consequence: missense variant.
Genome position (GRCh38, 1-based): chr3:119,415,515, C>G. VCF-style: chr3-119415515-C-G. GRCh37 (hg19) VCF-style: chr3-119134362-C-G.
Other names: short protein forms Q1196E.
Identifiers: ClinVar variation 2907909 (VCV002907909.3), dbSNP rs2080767698, ClinGen allele CA354059344.
Genomic context (GRCh38, chr3:119,415,515, plus strand): 5'-CGTAACTCAGCTCCTGTGAGTGTGTCAGCTGTGAGAACCTCCTTCATGGTCAAAATGTGC[C>G]AGGCCAGGGCGGTCCCAGTCATCCCTCCCAAGATTCAGTACACCCAGATCCCACAGCCCC-3'
Protein context (NP_065805.2, residues 1186-1206): VRTSFMVKMC[Gln1196Glu]ARAVPVIPPK

ClinVar aggregate classification (germline): Uncertain significance (1 of 4 stars; one submission).

Submission:

Labcorp Genetics (formerly Invitae), Labcorp
Classification: Uncertain significance. Last evaluated: 2023-03-13. Review status: criteria provided, single submitter. Criteria: Invitae Variant Classification Sherloc (09022015). Collection method: clinical testing. Allele origin: germline.
Comment: An algorithm developed to predict the effect of missense changes on protein structure and function (PolyPhen-2) suggests that this variant is likely to be disruptive. This variant has not been reported in the literature in individuals affected with ARHGAP31-related conditions. This variant is not present in population databases (gnomAD no frequency). This sequence change replaces glutamine, which is neutral and polar, with glutamic acid, which is acidic and polar, at codon 1196 of the ARHGAP31 protein (p.Gln1196Glu). In summary, the available evidence is currently insufficient to determine the role of this variant in disease. Therefore, it has been classified as a Variant of Uncertain Significance.